The following is an entry in ClinVar:

ClinVar aggregate classification (germline): Uncertain significance (1 of 4 stars; one submission).

Conditions:
Intellectual disability. Also called: Intellectual functioning disability; intellectual disabilities; Intellectual developmental disorder. Identifiers: MedGen C3714756, MeSH D008607, MONDO:0001071, HP:0001249.

Allele frequency attached by ClinVar (database versions not stated): gnomAD exomes below 0.00001.
gnomAD v4.1: 2 of 1,599,232 alleles (0.00013%); highest among the groups gnomAD compares: Non-Finnish European, 0.000085%; no homozygotes.

Submission:

Labcorp Genetics (formerly Invitae), Labcorp
Classification: Uncertain significance for Intellectual disability. Last evaluated: 2022-06-18. Review status: criteria provided, single submitter. Criteria: Invitae Variant Classification Sherloc (09022015). Collection method: clinical testing. Allele origin: germline.
Comment: This sequence change replaces alanine, which is neutral and non-polar, with serine, which is neutral and polar, at codon 21 of the GABRB2 protein (p.Ala21Ser). This variant is not present in population databases (gnomAD no frequency). This variant has not been reported in the literature in individuals affected with GABRB2-related conditions. Advanced modeling of protein sequence and biophysical properties (such as structural, functional, and spatial information, amino acid conservation, physicochemical variation, residue mobility, and thermodynamic stability) performed at Invitae indicates that this missense variant is not expected to disrupt GABRB2 protein function. In summary, the available evidence is currently insufficient to determine the role of this variant in disease. Therefore, it has been classified as a Variant of Uncertain Significance.

NM_001371727.1(GABRB2):c.61G>T (p.Ala21Ser)

Gene: GABRB2 (gamma-aminobutyric acid type A receptor subunit beta2; minus strand). Cytogenetic location: 5q34.
Variant type: single nucleotide variant.
Coding change: c.61G>T on transcript NM_001371727.1 (MANE Select); coding-DNA position 61, G replaced by T.
Protein change: p.Ala21Ser; replaces alanine 21 with serine.
Molecular consequence: missense variant.
Genome position (GRCh38, 1-based): chr5:161,546,583, C>A on the plus strand (G>T on the coding strand, the complement: GABRB2 is on the minus strand). VCF-style: chr5-161546583-C-A. GRCh37 (hg19) VCF-style: chr5-160973589-C-A.
Other names: c.61G>T, p.Ala21Ser (NM_000813.3, NM_021911.3); short protein forms A21S.
Identifiers: ClinVar variation 2008047 (VCV002008047.4), dbSNP rs2480170249, ClinGen allele CA362172916.